The following is an entry in ClinVar:

NM_000540.3(RYR1):c.12007G>T (p.Ala4003Ser)

Gene: RYR1 (ryanodine receptor 1; plus strand). Cytogenetic location: 19q13.2.
Variant type: single nucleotide variant.
Coding change: c.12007G>T on transcript NM_000540.3 (MANE Select); coding-DNA position 12007, G replaced by T.
Protein change: p.Ala4003Ser; replaces alanine 4003 with serine.
Molecular consequence: missense variant.
Genome position (GRCh38, 1-based): chr19:38,543,870, G>T. VCF-style: chr19-38543870-G-T. GRCh37 (hg19) VCF-style: chr19-39034510-G-T.
Other names: c.11992G>T, p.Ala3998Ser (NM_001042723.2); short protein forms A3998S, A4003S.
Identifiers: ClinVar variation 3385574 (VCV003385574.2).

ClinVar aggregate classification (germline): Uncertain significance. Review status: criteria provided, multiple submitters, no conflicts (2 of 4 stars). 2 submissions from 2 submitters: Uncertain significance (2). Last evaluated 2025-08-11.

Conditions:
Malignant hyperthermia, susceptibility to, 1 (MHS1). Also called: Anesthesia related hyperthermia; Malignant hyperpyrexia; Fulminating hyperpyrexia; Pharmacogenic myopathy; Malignant hyperthermia suceptibility 1; RYR1-Related Malignant Hyperthermia Susceptibility. Identifiers: Orphanet 423, MedGen C2930980, MONDO:0007783, OMIM 145600.
RYR1-related disorder. Also called: RYR1-related disorders; RYR1-related condition. Identifiers: MedGen CN239331.

gnomAD v4.1: 2 of 1,612,684 alleles (0.00012%); highest among the groups gnomAD compares: Non-Finnish European, 0.00017%; no homozygotes.

Submissions (2):

Labcorp Genetics (formerly Invitae), Labcorp
Classification: Uncertain significance for RYR1-related disorder. Last evaluated: 2025-08-11. Review status: criteria provided, single submitter. Criteria: Invitae Variant Classification Sherloc (09022015). Collection method: clinical testing. Allele origin: germline.
Comment: This sequence change replaces alanine, which is neutral and non-polar, with serine, which is neutral and polar, at codon 4003 of the RYR1 protein (p.Ala4003Ser). This variant is present in population databases (no rsID available, gnomAD 0.007%). This variant has not been reported in the literature in individuals affected with RYR1-related conditions. ClinVar contains an entry for this variant (Variation ID: 3385574). Invitae Evidence Modeling of protein sequence and biophysical properties (such as structural, functional, and spatial information, amino acid conservation, physicochemical variation, residue mobility, and thermodynamic stability) indicates that this missense variant is not expected to disrupt RYR1 protein function with a negative predictive value of 80%. In summary, the available evidence is currently insufficient to determine the role of this variant in disease. Therefore, it has been classified as a Variant of Uncertain Significance.

All of Us Research Program, National Institutes of Health
Classification: Uncertain significance for Malignant hyperthermia, susceptibility to, 1. Last evaluated: 2024-05-30. Review status: criteria provided, single submitter. Criteria: ACMG Guidelines, 2015. Collection method: clinical testing. Allele origin: germline. Inheritance: Autosomal dominant inheritance. Observed: 1 variant allele, 1 heterozygote.
Comment: This missense variant replaces alanine with serine at codon 4003 of the RYR1 protein. Computational prediction suggests that this variant may not impact protein structure and function (internally defined REVEL score threshold <= 0.5, PMID: 27666373). To our knowledge, functional studies have not been reported for this variant. This variant has not been reported in individuals affected with RYR1-related disorders in the literature. This variant has been identified in 1/31372 chromosomes in the general population by the Genome Aggregation Database (gnomAD). The available evidence is insufficient to determine the role of this variant in disease conclusively. Therefore, this variant is classified as a Variant of Uncertain Significance.

This study involves interpretation of variants in research participants for the purpose of population health screening. Participant phenotype was not available at the time of variant classification. Additional details can be found in publication PMID: 35346344, PMCID: PMC8962531